The following is an entry in ClinVar:

ClinVar aggregate classification (germline): Pathogenic (1 of 4 stars; one submission).

Submission:

Labcorp Genetics (formerly Invitae), Labcorp
Classification: Pathogenic. Last evaluated: 2019-11-01. Review status: criteria provided, single submitter. Criteria: Invitae Variant Classification Sherloc (09022015). Collection method: clinical testing. Allele origin: germline.
Comment: For these reasons, this variant has been classified as Pathogenic. Loss-of-function variants in NFKB1 are known to be pathogenic (PMID: 26279205). This variant has not been reported in the literature in individuals with NFKB1-related conditions. This variant is not present in population databases (ExAC no frequency). This sequence change creates a premature translational stop signal (p.Ala328Serfs*12) in the NFKB1 gene. It is expected to result in an absent or disrupted protein product.

Literature cited by the submitters: PubMed 26279205.

NM_003998.4(NFKB1):c.980dup (p.Ala328fs)

Gene: NFKB1 (nuclear factor kappa B subunit 1; plus strand). Cytogenetic location: 4q24.
Variant type: Duplication.
Coding change: c.980dup on transcript NM_003998.4 (MANE Select); coding-DNA position 980, one base duplicated (C; older notation c.980dupC).
Protein change: p.Ala328fs; shifts the reading frame from alanine 328.
Molecular consequence: frameshift variant.
Genome position (GRCh38, 1-based): chr4:102,584,734, C duplicated; the last of 2 consecutive C bases (chr4:102,584,733-102,584,734); duplicating either gives the same sequence. VCF-style (leftmost placement, unchanged base first): chr4-102584732-A-AC. GRCh37 (hg19) VCF-style: chr4-103505889-A-AC.
Other names: c.977dup, p.Ala327fs (NM_001165412.2, NM_001319226.2, NM_001382627.1); c.980dup, p.Ala328fs (NM_001382625.1, NM_001382626.1); c.938dup, p.Ala314fs (NM_001382628.1); short protein forms A314fs, A327fs, A328fs.
Identifiers: ClinVar variation 965256 (VCV000965256.6), dbSNP rs1725580228, ClinGen allele CA1139658586.
Genomic context (GRCh38, chr4:102,584,732, plus strand): 5'-TATCCTGCAGTTTGCCATTGTCTTCAAAACTCCAAAGTATAAAGATATTAATATTACAAA[A>AC]CCAGCCTCTGTGTTTGTCCAGCTTCGGAGGAAATCTGACTTGGAAACTAGTGAACCAAAA-3'